The following is an entry in ClinVar:

NM_000046.5(ARSB):c.348del (p.Cys117fs)

Gene: ARSB (arylsulfatase B; minus strand). Cytogenetic location: 5q14.1.
Variant type: Deletion.
Coding change: c.348del on transcript NM_000046.5 (MANE Select); coding-DNA position 348, one base deleted (C; older notation c.348delC).
Protein change: p.Cys117fs; shifts the reading frame from cysteine 117.
Molecular consequence: frameshift variant.
Genome position (GRCh38, 1-based): chr5:78,969,157, G deleted on the plus strand (C on the coding strand, the reverse complement: ARSB is on the minus strand); the first of 3 consecutive G bases (chr5:78,969,157-78,969,159); deleting any one gives the same sequence. VCF-style (leftmost placement, unchanged base first): chr5-78969156-AG-A. GRCh37 (hg19) VCF-style: chr5-78264979-AG-A.
Other names: c.348del, p.Cys117fs (NM_198709.3); short protein forms C117fs.
Identifiers: ClinVar variation 4814214 (VCV004814214.1).

ClinVar aggregate classification (germline): Likely pathogenic (1 of 4 stars; one submission).

Conditions:
Mucopolysaccharidosis type 6 (MPS6). Also called: ARSB DEFICIENCY; ARYLSULFATASE B DEFICIENCY; N-ACETYLGALACTOSAMINE-4-SULFATASE DEFICIENCY; MPS VI; MPS 6; Maroteaux Lamy syndrome. Identifiers: Orphanet 583, MedGen C0026709, MONDO:0009661, OMIM 253200.

Submission:

Rady Children's Institute for Genomic Medicine, Rady Children's Hospital San Diego
Classification: Likely pathogenic for Mucopolysaccharidosis type VI. Last evaluated: 2025-06-17. Review status: criteria provided, single submitter. Criteria: ACMG Guidelines, 2015. Collection method: clinical testing. Allele origin: germline. Affected: yes.
Comment: This frameshifting variant in exon 2 of 8 is predicted to result in loss of normal protein function through either protein truncation or nonsense-mediated mRNA decay. Loss-of-function variation in ARSB is an established mechanism of disease (PMID: 20385007). This variant has not been previously reported or functionally characterized in the literature to our knowledge. The c.348del (p.Cys117ValfsTer17) variant is present in the latest version of the gnomAD population database at an allele frequency of 0.00006% (1/1614188), and is absent in the homozygous state, thus is presumed to be rare. Based on the available evidence, c.348del (p.Cys117ValfsTer17) is classified as Likely Pathogenic.

Literature cited by the submitters: PubMed 20385007.